The following is an entry in ClinVar:

ClinVar aggregate classification (germline): Uncertain significance. Review status: criteria provided, multiple submitters, no conflicts (2 of 4 stars). 2 submissions from 2 submitters: Uncertain significance (2). Last evaluated 2024-11-17.

Conditions:
Distal myopathy with posterior leg and anterior hand involvement. Also called: WILLIAMS DISTAL MYOPATHY. Identifiers: Orphanet 63273, MedGen C3279722, MONDO:0013550, OMIM 614065.
Myofibrillar myopathy 5. Also called: Filaminopathy (type); FILAMINOPATHY, AUTOSOMAL DOMINANT. Identifiers: Orphanet 171445, MedGen C1836050, MONDO:0012289, OMIM 609524.
Hypertrophic cardiomyopathy 26. Also called: Cardiomyopathy, familial hypertrophic, 26. Identifiers: Orphanet 75249, MedGen C4310749, MONDO:0014883, OMIM 617047.

Allele frequency attached by ClinVar (database versions not stated): gnomAD exomes below 0.00001; TOPMed below 0.00001.
gnomAD v4.1: 5 of 1,613,768 alleles (0.00031%); highest among the groups gnomAD compares: Middle Eastern, 0.033%; no homozygotes.

Submissions (2):

Labcorp Genetics (formerly Invitae), Labcorp
Classification: Uncertain significance for Distal myopathy with posterior leg and anterior hand involvement; Myofibrillar myopathy 5; Hypertrophic cardiomyopathy 26. Last evaluated: 2024-11-17. Review status: criteria provided, single submitter. Criteria: Invitae Variant Classification Sherloc (09022015). Collection method: clinical testing. Allele origin: germline.
Comment: This sequence change replaces aspartic acid, which is acidic and polar, with alanine, which is neutral and non-polar, at codon 645 of the FLNC protein (p.Asp645Ala). This variant is not present in population databases (gnomAD no frequency). This missense change has been observed in individual(s) with hypertrophic cardiomyopathy (PMID: 36204818). ClinVar contains an entry for this variant (Variation ID: 539418). Invitae Evidence Modeling of protein sequence and biophysical properties (such as structural, functional, and spatial information, amino acid conservation, physicochemical variation, residue mobility, and thermodynamic stability) has been performed for this missense variant. However, the output from this modeling did not meet the statistical confidence thresholds required to predict the impact of this variant on FLNC protein function. In summary, the available evidence is currently insufficient to determine the role of this variant in disease. Therefore, it has been classified as a Variant of Uncertain Significance.

GeneDx
Classification: Uncertain significance. Last evaluated: 2022-09-14. Review status: criteria provided, single submitter. Criteria: GeneDx Variant Classification Process June 2021. Collection method: clinical testing. Allele origin: germline. Affected: yes.
Comment: Reported in a family with left ventricular non-compaction cardiomyopathy in published literature (Kulikova et al. 2021); Not observed at significant frequency in large population cohorts (gnomAD); In silico analysis supports that this missense variant has a deleterious effect on protein structure/function; This variant is associated with the following publications: (PMID: Caldern2020[Thesis], Kulikova2021[casereport])

Literature cited by the submitters: PubMed 36204818 (cited by Labcorp Genetics (formerly Invitae), Labcorp).

NM_001458.5(FLNC):c.1934A>C (p.Asp645Ala)

Gene: FLNC (filamin C; plus strand). Cytogenetic location: 7q32.1.
Variant type: single nucleotide variant.
Coding change: c.1934A>C on transcript NM_001458.5 (MANE Select); coding-DNA position 1934, A replaced by C.
Protein change: p.Asp645Ala; replaces aspartic acid 645 with alanine.
Molecular consequence: missense variant.
Genome position (GRCh38, 1-based): chr7:128,841,290, A>C. VCF-style: chr7-128841290-A-C. GRCh37 (hg19) VCF-style: chr7-128481344-A-C.
Other names: c.1934A>C, p.Asp645Ala (NM_001127487.2); short protein forms D645A.
Identifiers: ClinVar variation 539418 (VCV000539418.9), dbSNP rs1554398369, ClinGen allele CA369227397.